The following is an entry in ClinVar:

NM_014974.3(DIP2C):c.1217C>G (p.Ala406Gly)

Gene: DIP2C (DIP2 acetate--CoA ligase C (putative); minus strand). Cytogenetic location: 10p15.3.
Variant type: single nucleotide variant.
Coding change: c.1217C>G on transcript NM_014974.3 (MANE Select); coding-DNA position 1217, C replaced by G.
Protein change: p.Ala406Gly; replaces alanine 406 with glycine.
Molecular consequence: missense variant.
Genome position (GRCh38, 1-based): chr10:399,152, G>C on the plus strand (C>G on the coding strand, the complement: DIP2C is on the minus strand). VCF-style: chr10-399152-G-C. GRCh37 (hg19) VCF-style: chr10-445092-G-C.
Other names: short protein forms A406G.
Identifiers: ClinVar variation 3609871 (VCV003609871.2).

ClinVar aggregate classification (germline): Uncertain significance (1 of 4 stars; one submission).

gnomAD v4.1: 5 of 1,613,984 alleles (0.00031%); highest among the groups gnomAD compares: South Asian, 0.0033%; no homozygotes.

Submission:

Labcorp Genetics (formerly Invitae), Labcorp
Classification: Uncertain significance. Last evaluated: 2024-07-10. Review status: criteria provided, single submitter. Criteria: Invitae Variant Classification Sherloc (09022015). Collection method: clinical testing. Allele origin: germline.
Comment: This sequence change replaces alanine, which is neutral and non-polar, with glycine, which is neutral and non-polar, at codon 406 of the DIP2C protein (p.Ala406Gly). This variant is present in population databases (rs767807819, gnomAD 0.006%). This variant has not been reported in the literature in individuals affected with DIP2C-related conditions. An algorithm developed to predict the effect of missense changes on protein structure and function (PolyPhen-2) suggests that this variant is likely to be tolerated. In summary, the available evidence is currently insufficient to determine the role of this variant in disease. Therefore, it has been classified as a Variant of Uncertain Significance.